The following is an entry in ClinVar:

NM_004369.4(COL6A3):c.2000A>G (p.Asn667Ser)

Gene: COL6A3 (collagen type VI alpha 3 chain; minus strand). Cytogenetic location: 2q37.3.
Variant type: single nucleotide variant.
Coding change: c.2000A>G on transcript NM_004369.4 (MANE Select); coding-DNA position 2000, A replaced by G.
Protein change: p.Asn667Ser; replaces asparagine 667 with serine.
Molecular consequence: missense variant. On other transcripts: intron variant (1).
Genome position (GRCh38, 1-based): chr2:237,379,133, T>C on the plus strand (A>G on the coding strand, the complement: COL6A3 is on the minus strand). VCF-style: chr2-237379133-T-C. GRCh37 (hg19) VCF-style: chr2-238287776-T-C.
Other names: c.1382A>G, p.Asn461Ser (NM_057165.5, NM_057167.4); c.676+1782A>G (NM_057166.5); c.779A>G, p.Asn260Ser (NM_057164.5); short protein forms N667S, N260S, N461S.
Identifiers: ClinVar variation 573191 (VCV000573191.10), dbSNP rs746265516, ClinGen allele CA2189496.

ClinVar aggregate classification (germline): Uncertain significance (1 of 4 stars; one submission).

Conditions:
Bethlem myopathy 1A. Also called: Bethlem myopathy 1; MYOPATHY, BENIGN CONGENITAL, WITH CONTRACTURES; Bethlem Muscular Dystrophy. Identifiers: Orphanet 610, MedGen CN029274, MONDO:0024530, OMIM 158810.

Allele frequency attached by ClinVar (database versions not stated): ExAC 0.00001.
gnomAD v4.1: 2 of 1,614,262 alleles (0.00012%); highest among the groups gnomAD compares: East Asian, 0.0045%; no homozygotes.

Submission:

Labcorp Genetics (formerly Invitae), Labcorp
Classification: Uncertain significance for Bethlem myopathy 1A. Last evaluated: 2018-08-01. Review status: criteria provided, single submitter. Criteria: Invitae Variant Classification Sherloc (09022015). Collection method: clinical testing. Allele origin: germline.
Comment: Algorithms developed to predict the effect of missense changes on protein structure and function output the following: SIFT: "Tolerated"; PolyPhen-2: "Benign"; Align-GVGD: "Class C0". The serine amino acid residue is found in multiple mammalian species, suggesting that this missense change does not adversely affect protein function. These predictions have not been confirmed by published functional studies and their clinical significance is uncertain. In summary, the available evidence is currently insufficient to determine the role of this variant in disease. Therefore, it has been classified as a Variant of Uncertain Significance. This sequence change replaces asparagine with serine at codon 667 of the COL6A3 protein (p.Asn667Ser). The asparagine residue is highly conserved and there is a small physicochemical difference between asparagine and serine. This variant is present in population databases (rs746265516, ExAC 0.01%). This variant has not been reported in the literature in individuals with COL6A3-related disease.